The following is an entry in ClinVar:

ClinVar aggregate classification (germline): Uncertain significance (1 of 4 stars; one submission).

Submission:

Labcorp Genetics (formerly Invitae), Labcorp
Classification: Uncertain significance. Last evaluated: 2022-05-25. Review status: criteria provided, single submitter. Criteria: Invitae Variant Classification Sherloc (09022015). Collection method: clinical testing. Allele origin: germline.
Comment: In summary, the available evidence is currently insufficient to determine the role of this variant in disease. Therefore, it has been classified as a Variant of Uncertain Significance. Algorithms developed to predict the effect of missense changes on protein structure and function are either unavailable or do not agree on the potential impact of this missense change (SIFT: "Deleterious"; PolyPhen-2: "Probably Damaging"; Align-GVGD: "Class C0"). This variant has not been reported in the literature in individuals affected with EFTUD2-related conditions. This variant is not present in population databases (gnomAD no frequency). This sequence change replaces proline, which is neutral and non-polar, with leucine, which is neutral and non-polar, at codon 96 of the EFTUD2 protein (p.Pro96Leu).

NM_004247.4(EFTUD2):c.287C>T (p.Pro96Leu)

Gene: EFTUD2 (elongation factor Tu GTP binding domain containing 2; minus strand). Cytogenetic location: 17q21.31.
Variant type: single nucleotide variant.
Coding change: c.287C>T on transcript NM_004247.4 (MANE Select); coding-DNA position 287, C replaced by T.
Protein change: p.Pro96Leu; replaces proline 96 with leucine.
Molecular consequence: missense variant.
Genome position (GRCh38, 1-based): chr17:44,885,319, G>A on the plus strand (C>T on the coding strand, the complement: EFTUD2 is on the minus strand). VCF-style: chr17-44885319-G-A. GRCh37 (hg19) VCF-style: chr17-42962687-G-A.
Other names: c.182C>T, p.Pro61Leu (NM_001142605.2); c.287C>T, p.Pro96Leu (NM_001258353.2, NM_001258354.2); short protein forms P61L, P96L.
Identifiers: ClinVar variation 1997485 (VCV001997485.4), dbSNP rs2051147911, ClinGen allele CA399826003.
Genomic context (GRCh38, chr17:44,885,319, plus strand): 5'-ATCTCATACACCGTAACAGGTAATGTCTGCTCCATCAGAGTGAATTTCTTGGTTTTCACT[G>A]GCTTAATAATGGGTTCTAGAAGAAAAAAAAAAGGTAGTGATGTGTAGGTGGGCATAAAAC-3'
Protein context (NP_004238.3, residues 86-106): TQPLTEPIIK[Pro96Leu]VKTKKFTLME